The following is an entry in ClinVar:

ClinVar aggregate classification (germline): Uncertain significance. Review status: criteria provided, multiple submitters, no conflicts (2 of 4 stars). 2 submissions from 2 submitters: Uncertain significance (2). Last evaluated 2024-09-27.

Allele frequency attached by ClinVar (database versions not stated): gnomAD 0.00001; ExAC 0.00002; ESP Exome Variant Server 0.00015.

Submissions (2):

Labcorp Genetics (formerly Invitae), Labcorp
Classification: Uncertain significance. Last evaluated: 2024-09-27. Review status: criteria provided, single submitter. Criteria: Invitae Variant Classification Sherloc (09022015). Collection method: clinical testing. Allele origin: germline.
Comment: This sequence change replaces arginine, which is basic and polar, with cysteine, which is neutral and slightly polar, at codon 336 of the LMNB1 protein (p.Arg336Cys). This variant is present in population databases (rs375184818, gnomAD 0.02%). This variant has not been reported in the literature in individuals affected with LMNB1-related conditions. Invitae Evidence Modeling of protein sequence and biophysical properties (such as structural, functional, and spatial information, amino acid conservation, physicochemical variation, residue mobility, and thermodynamic stability) indicates that this missense variant is not expected to disrupt LMNB1 protein function with a negative predictive value of 80%. In summary, the available evidence is currently insufficient to determine the role of this variant in disease. Therefore, it has been classified as a Variant of Uncertain Significance.

CeGaT Center for Human Genetics Tuebingen
Classification: Uncertain significance. Last evaluated: 2023-11-01. Review status: criteria provided, single submitter. Criteria: CeGaT Center For Human Genetics Tuebingen Variant Classification Criteria Version 2. Collection method: clinical testing. Allele origin: germline. Affected: yes. Observed: 1 variant allele.

NM_005573.4(LMNB1):c.1006C>T (p.Arg336Cys)

Gene: LMNB1 (lamin B1; plus strand). Cytogenetic location: 5q23.2.
Variant type: single nucleotide variant.
Coding change: c.1006C>T on transcript NM_005573.4 (MANE Select); coding-DNA position 1006, C replaced by T.
Protein change: p.Arg336Cys; replaces arginine 336 with cysteine.
Molecular consequence: missense variant. On other transcripts: non-coding transcript variant (2).
Genome position (GRCh38, 1-based): chr5:126,818,988, C>T. VCF-style: chr5-126818988-C-T. GRCh37 (hg19) VCF-style: chr5-126154680-C-T.
Other names: c.376C>T, p.Arg126Cys (NM_001198557.2); short protein forms R126C, R336C.
Identifiers: ClinVar variation 2673023 (VCV002673023.25), dbSNP rs375184818, ClinGen allele CA3390614.
Genomic context (GRCh38, chr5:126,818,988, plus strand): 5'-GCATGTTTGGAAAGGATTCAAGAATTAGAGGACTTGCTTGCTAAAGAAAAAGACAACTCT[C>T]GTCGCATGCTGACAGACAAAGAGAGAGAGATGGCGGAAATAAGGGATCAAATGCAGCAAC-3'
Protein context (NP_005564.1, residues 326-346): DLLAKEKDNS[Arg336Cys]RMLTDKEREM